The following is an entry in ClinVar:

ClinVar aggregate classification (germline): Uncertain significance. Review status: criteria provided, multiple submitters, no conflicts (2 of 4 stars). 2 submissions from 2 submitters: Uncertain significance (2). Last evaluated 2025-07-16.

Conditions:
Ataxia-telangiectasia syndrome (AT). Also called: Ataxia telangiectasia (A-T); LOUIS-BAR SYNDROME; Cerebello-oculocutaneous telangiectasia; Immunodeficiency with ataxia telangiectasia; Ataxia-telangiectasia, complementation group D; AT, COMPLEMENTATION GROUP C. Identifiers: Orphanet 100, MedGen C0004135, MONDO:0008840, OMIM 208900.
Hereditary cancer-predisposing syndrome. Also called: Hereditary neoplastic syndrome; Neoplastic Syndromes, Hereditary; Tumor predisposition; Hereditary Cancer Syndrome. Identifiers: Orphanet 140162, MedGen C0027672, MeSH D009386, MONDO:0015356.

Submissions (2):

Ambry Genetics
Classification: Uncertain significance for Hereditary cancer-predisposing syndrome. Last evaluated: 2025-07-16. Review status: criteria provided, single submitter. Criteria: Ambry Variant Classification Scheme 2023. Collection method: clinical testing. Allele origin: germline.
Comment: The p.K2838E variant (also known as c.8512A>G), located in coding exon 57 of the ATM gene, results from an A to G substitution at nucleotide position 8512. The lysine at codon 2838 is replaced by glutamic acid, an amino acid with similar properties. This amino acid position is conserved. In addition, the in silico prediction for this alteration is inconclusive. Based on the available evidence, the clinical significance of this variant remains unclear.

Labcorp Genetics (formerly Invitae), Labcorp
Classification: Uncertain significance for Ataxia-telangiectasia syndrome. Last evaluated: 2022-07-31. Review status: criteria provided, single submitter. Criteria: Invitae Variant Classification Sherloc (09022015). Collection method: clinical testing. Allele origin: germline.
Comment: In summary, the available evidence is currently insufficient to determine the role of this variant in disease. Therefore, it has been classified as a Variant of Uncertain Significance. Algorithms developed to predict the effect of missense changes on protein structure and function are either unavailable or do not agree on the potential impact of this missense change (SIFT: "Deleterious"; PolyPhen-2: "Probably Damaging"; Align-GVGD: "Class C15"). This variant has not been reported in the literature in individuals affected with ATM-related conditions. This variant is not present in population databases (gnomAD no frequency). This sequence change replaces lysine, which is basic and polar, with glutamic acid, which is acidic and polar, at codon 2838 of the ATM protein (p.Lys2838Glu).

NM_000051.4(ATM):c.8512A>G (p.Lys2838Glu)

Genes: ATM (ATM serine/threonine kinase; plus strand), C11orf65 (chromosome 11 open reading frame 65; minus strand). Cytogenetic location: 11q22.3.
Variant type: single nucleotide variant.
Coding change: c.8512A>G on transcript NM_000051.4 (MANE Select); coding-DNA position 8512, A replaced by G.
Protein change: p.Lys2838Glu; replaces lysine 2838 with glutamic acid.
Molecular consequence: missense variant. On other transcripts: intron variant (2).
Genome position (GRCh38, 1-based): chr11:108,345,836, A>G. VCF-style: chr11-108345836-A-G. GRCh37 (hg19) VCF-style: chr11-108216563-A-G.
Other names: c.8512A>G, p.Lys2838Glu (NM_001351834.2); c.641-36765T>C (NM_001330368.2); c.695-10544T>C (NM_001351110.2); short protein forms K2838E.
Identifiers: ClinVar variation 1714659 (VCV001714659.7), dbSNP rs2088287574, ClinGen allele CA382518257.